The following is an entry in ClinVar:

ClinVar aggregate classification (germline): Pathogenic (1 of 4 stars; one submission).

Conditions:
Ullrich congenital muscular dystrophy 2 (UCMD2). Identifiers: Orphanet 75840, MedGen C4225314, MONDO:0014654, OMIM 616470.
Bethlem myopathy 2 (BTHLM2). Identifiers: Orphanet 536516, Orphanet 610, MedGen C4225313, MONDO:0034022, OMIM 616471.

Submission:

Labcorp Genetics (formerly Invitae), Labcorp
Classification: Pathogenic for Bethlem myopathy 2; Ullrich congenital muscular dystrophy 2. Last evaluated: 2022-08-24. Review status: criteria provided, single submitter. Criteria: Invitae Variant Classification Sherloc (09022015). Collection method: clinical testing. Allele origin: germline.
Comment: This sequence change creates a premature translational stop signal (p.Ser1411Cysfs*5) in the COL12A1 gene. It is expected to result in an absent or disrupted protein product. Loss-of-function variants in COL12A1 are known to be pathogenic (PMID: 24334604, 28973083). For these reasons, this variant has been classified as Pathogenic. This variant has not been reported in the literature in individuals affected with COL12A1-related conditions. This variant is not present in population databases (gnomAD no frequency).

Literature cited by the submitters: PubMed 24334604; PubMed 28973083.

NM_004370.6(COL12A1):c.4231_4232del (p.Ser1411fs)

Gene: COL12A1 (collagen type XII alpha 1 chain; minus strand). Cytogenetic location: 6q13.
Variant type: Deletion.
Coding change: c.4231_4232del on transcript NM_004370.6 (MANE Select); coding-DNA positions 4231 to 4232, 2 bases deleted (AG; older notation c.4231_4232delAG).
Protein change: p.Ser1411fs; shifts the reading frame from serine 1411.
Molecular consequence: frameshift variant.
Genome position (GRCh38, 1-based): chr6:75,148,413-75,148,414, CT deleted on the plus strand (AG on the coding strand, the reverse complement: COL12A1 is on the minus strand). VCF-style (leftmost placement, unchanged base first): chr6-75148412-ACT-A. GRCh37 (hg19) VCF-style: chr6-75858128-ACT-A.
Other names: c.739_740del, p.Ser247fs (NM_080645.3); short protein forms S247fs, S1411fs.
Identifiers: ClinVar variation 2017034 (VCV002017034.4), dbSNP rs2533377535, ClinGen allele CA2580075822.
Genomic context (GRCh38, chr6:75,148,412, plus strand): 5'-ACTCACTTCTTGACGTTTCCCTCCAGAAACTGGATAGTATTCCACCTTATATCGATCCAC[ACT>A]GTCAGAAGGTGGTGTCCAGCTCACTCTAAAAGAACGATGGGTTCGCTCAGAAATAACTAA-3'